The following is an entry in ClinVar:

ClinVar aggregate classification (germline): Uncertain significance (1 of 4 stars; one submission).

Conditions:
Epidermodysplasia verruciformis. Identifiers: Orphanet 302, MedGen C0014522, MONDO:0009176.

Allele frequency attached by ClinVar (database versions not stated): gnomAD exomes below 0.00001 and 0.00001; TOPMed below 0.00001; gnomAD 0.00001; ExAC 0.00002; 1000 Genomes Project 0.00020; 1000 Genomes Project 30x 0.00047.
gnomAD v4.1: 7 of 1,614,062 alleles (0.00043%); highest among the groups gnomAD compares: South Asian, 0.0011%; no homozygotes.

Submission:

Labcorp Genetics (formerly Invitae), Labcorp
Classification: Uncertain significance for Epidermodysplasia verruciformis. Last evaluated: 2019-02-28. Review status: criteria provided, single submitter. Criteria: Invitae Variant Classification Sherloc (09022015). Collection method: clinical testing. Allele origin: germline.
Comment: This sequence change replaces arginine with glutamine at codon 591 of the TMC6 protein (p.Arg591Gln). The arginine residue is moderately conserved and there is a small physicochemical difference between arginine and glutamine. This variant is present in population databases (rs558312063, ExAC 0.003%). This variant has not been reported in the literature in individuals with TMC6-related conditions. Algorithms developed to predict the effect of missense changes on protein structure and function are either unavailable or do not agree on the potential impact of this missense change (SIFT: "Tolerated; PolyPhen-2: "Benign"; Align-GVGD: "Class C0"). In summary, the available evidence is currently insufficient to determine the role of this variant in disease. Therefore, it has been classified as a Variant of Uncertain Significance.

NM_001127198.5(TMC6):c.1772G>A (p.Arg591Gln)

Gene: TMC6 (transmembrane channel like 6; minus strand). Cytogenetic location: 17q25.3.
Variant type: single nucleotide variant.
Coding change: c.1772G>A on transcript NM_001127198.5 (MANE Select); coding-DNA position 1772, G replaced by A.
Protein change: p.Arg591Gln; replaces arginine 591 with glutamine.
Molecular consequence: missense variant.
Genome position (GRCh38, 1-based): chr17:78,119,336, C>T on the plus strand (G>A on the coding strand, the complement: TMC6 is on the minus strand). VCF-style: chr17-78119336-C-T. GRCh37 (hg19) VCF-style: chr17-76115417-C-T.
Other names: c.1772G>A, p.Arg591Gln (NM_001321185.1, NM_001374596.1, NM_001375353.1 and 2 more transcripts); c.1592G>A, p.Arg531Gln (NM_001374593.1, NM_001374594.1); short protein forms R531Q, R591Q.
Identifiers: ClinVar variation 834210 (VCV000834210.1), dbSNP rs558312063, ClinGen allele CA8795573.